The following is an entry in ClinVar:

ClinVar aggregate classification (germline): Conflicting classifications of pathogenicity. Review status: criteria provided, conflicting classifications (1 of 4 stars). 7 submissions from 7 submitters: Uncertain significance (1); Benign (4); Likely benign (1). 1 of the submissions does not count toward it. Last evaluated 2026-06-03.

Conditions:
EVC2-related disorder. Also called: EVC2-related condition.
Inborn genetic diseases. Identifiers: MedGen C0950123, MeSH D030342.
Curry-Hall syndrome (WAD). Also called: WEYERS ACRODENTAL DYSOSTOSIS. Identifiers: Orphanet 952, MedGen C0457013, MONDO:0008673, OMIM 193530.
Ellis-van Creveld syndrome (EVC). Also called: Chondroectodermal dysplasia; MESOECTODERMAL DYSPLASIA. Identifiers: Orphanet 289, MedGen C0013903, MONDO:0009162, OMIM 225500.

Allele frequency attached by ClinVar (database versions not stated): gnomAD exomes 0.00030 and 0.00077; ExAC 0.00090; ESP Exome Variant Server 0.00269; gnomAD 0.00273 and 0.00294; 1000 Genomes Project 0.00300; 1000 Genomes Project 30x 0.00312; TOPMed 0.00325.
gnomAD v4.1: 870 of 1,614,066 alleles (0.054%); highest among the groups gnomAD compares: African/African-American, 1.1%; 10 homozygotes.

Submissions (7):

Women's Health and Genetics/Laboratory Corporation of America, LabCorp
Classification: Benign. Last evaluated: 2026-06-03. Review status: criteria provided, single submitter. Criteria: LabCorp Variant Classification Summary - May 2015. Collection method: clinical testing. Allele origin: germline.
Comment: Variant summary: EVC2 c.1954A>G (p.Ile652Val) results in a conservative amino acid change in the encoded protein sequence. Algorithms developed to predict the effect of missense changes on protein structure and function all suggest that this variant is likely to be tolerated. The variant allele was found at a frequency of 0.00077 in 251464 control chromosomes, predominantly at a frequency of 0.011 within the African or African-American subpopulation in the gnomAD database, including 1 homozygote. The observed variant frequency within African or African-American control individuals in the gnomAD database exceeds the estimated maximal expected allele frequency for disease-causing variants in EVC2, and the observation of homozygous control(s) is not consistent with the onset/severity of EVC2-related conditions. To our knowledge, no occurrence of c.1954A>G in individuals affected with EVC2-related conditions and no experimental evidence demonstrating its impact on protein function have been reported. ClinVar contains an entry for this variant (Variation ID: 391013). Based on the evidence outlined above, the variant was classified as benign.

Labcorp Genetics (formerly Invitae), Labcorp
Classification: Benign for Curry-Hall syndrome; Ellis-van Creveld syndrome. Last evaluated: 2026-01-27. Review status: criteria provided, single submitter. Criteria: Invitae Variant Classification Sherloc (09022015). Collection method: clinical testing. Allele origin: germline.

Ambry Genetics
Classification: Uncertain significance for Inborn genetic diseases. Last evaluated: 2025-08-22. Review status: criteria provided, single submitter. Criteria: Ambry Variant Classification Scheme 2023. Collection method: clinical testing. Allele origin: germline.

Blueprint Genetics
Classification: Likely benign. Last evaluated: 2024-11-13. Review status: criteria provided, single submitter. Criteria: ACMG Guidelines, 2015. Collection method: clinical testing. Allele origin: germline.

GeneDx
Classification: Benign. Last evaluated: 2019-12-04. Review status: criteria provided, single submitter. Criteria: GeneDx Variant Classification Process June 2021. Collection method: clinical testing. Allele origin: germline. Affected: yes.

Breakthrough Genomics
Classification: Benign. Review status: criteria provided, single submitter. Criteria: ACMG Guidelines, 2015. Collection method: not provided. Allele origin: germline. Inheritance: Autosomal recessive inheritance. Affected: yes.

PreventionGenetics, part of Exact Sciences
Classification: Benign for EVC2-related condition. Last evaluated: 2019-03-08. Review status: no assertion criteria provided. Collection method: clinical testing. Allele origin: germline. Not counted in ClinVar's aggregate classification.
Comment: This variant is classified as benign based on ACMG/AMP sequence variant interpretation guidelines (Richards et al. 2015 PMID: 25741868, with internal and published modifications).

NM_147127.5(EVC2):c.1954A>G (p.Ile652Val)

Gene: EVC2 (EvC ciliary complex subunit 2; minus strand). Cytogenetic location: 4p16.2.
Variant type: single nucleotide variant.
Coding change: c.1954A>G on transcript NM_147127.5 (MANE Select); coding-DNA position 1954, A replaced by G.
Protein change: p.Ile652Val; replaces isoleucine 652 with valine.
Molecular consequence: missense variant.
Genome position (GRCh38, 1-based): chr4:5,625,841, T>C on the plus strand (A>G on the coding strand, the complement: EVC2 is on the minus strand). VCF-style: chr4-5625841-T-C. GRCh37 (hg19) VCF-style: chr4-5627568-T-C.
Other names: c.1714A>G, p.Ile572Val (NM_001166136.2); short protein forms I652V, I572V.
Identifiers: ClinVar variation 391013 (VCV000391013.21), dbSNP rs144670544, ClinGen allele CA2834876.